The following is an entry in ClinVar:

ClinVar aggregate classification (germline): Uncertain significance (1 of 4 stars; one submission).

Allele frequency attached by ClinVar (database versions not stated): TOPMed 0.00001.
gnomAD v4.1: 18 of 865,904 alleles (0.0021%); highest among the groups gnomAD compares: South Asian, 0.0058%; 1 homozygote.

Submission:

CeGaT Center for Human Genetics Tuebingen
Classification: Uncertain significance. Last evaluated: 2024-03-01. Review status: criteria provided, single submitter. Criteria: CeGaT Center For Human Genetics Tuebingen Variant Classification Criteria Version 2. Collection method: clinical testing. Allele origin: germline. Affected: yes. Observed: 1 variant allele.
Comment: KNDC1: PM2

NM_152643.8(KNDC1):c.360+136C>T

Gene: KNDC1 (kinase non-catalytic C-lobe domain containing 1; plus strand). Cytogenetic location: 10q26.3.
Variant type: single nucleotide variant.
Coding change: c.360+136C>T on transcript NM_152643.8 (MANE Select); 136 bases into the intron after coding-DNA position 360, C replaced by T.
Molecular consequence: intron variant. On other transcripts: missense variant (1).
Genome position (GRCh38, 1-based): chr10:133,168,448, C>T. VCF-style: chr10-133168448-C-T. GRCh37 (hg19) VCF-style: chr10-134981952-C-T.
Other names: c.496C>T, p.Arg166Trp (NM_001347864.2); c.360+136C>T (NM_001347865.2, NM_001347866.2); short protein forms R166W.
Identifiers: ClinVar variation 3067581 (VCV003067581.21), dbSNP rs1591219711, ClinGen allele CA653919393.